The following is an entry in ClinVar:

ClinVar aggregate classification (germline): Uncertain significance (1 of 4 stars; one submission).

Conditions:
Combined immunodeficiency due to ORAI1 deficiency. Also called: IMMUNODEFICIENCY 9. Identifiers: Orphanet 169090, Orphanet 317428, MedGen C2748568, MONDO:0013007, OMIM 612782.
Myopathy, tubular aggregate, 2 (TAM2). Identifiers: MedGen C4014557, MONDO:0014383, OMIM 615883.

Submission:

Labcorp Genetics (formerly Invitae), Labcorp
Classification: Uncertain significance for Myopathy, tubular aggregate, 2; Combined immunodeficiency due to ORAI1 deficiency. Last evaluated: 2022-03-12. Review status: criteria provided, single submitter. Criteria: Invitae Variant Classification Sherloc (09022015). Collection method: clinical testing. Allele origin: germline.
Comment: This sequence change replaces proline, which is neutral and non-polar, with serine, which is neutral and polar, at codon 206 of the ORAI1 protein (p.Pro206Ser). This variant is not present in population databases (gnomAD no frequency). This variant has not been reported in the literature in individuals affected with ORAI1-related conditions. Experimental studies and prediction algorithms are not available or were not evaluated, and the functional significance of this variant is currently unknown. In summary, the available evidence is currently insufficient to determine the role of this variant in disease. Therefore, it has been classified as a Variant of Uncertain Significance.

NC_000012.12:g.121641353C>T

Gene: ORAI1 (ORAI calcium release-activated calcium modulator 1; plus strand). Cytogenetic location: 12q24.31.
Variant type: single nucleotide variant.
Genome position: GRCh38 VCF-style: chr12-121641353-C-T. GRCh37 (hg19) VCF-style: chr12-122079259-C-T.
Other names: c.616C>T, p.Pro206Ser (NM_032790.4); short protein forms P206S.
Identifiers: ClinVar variation 2110153 (VCV002110153.4), dbSNP rs2503543959, ClinGen allele CA386983932.